The following is an entry in ClinVar:

NM_031407.7(HUWE1):c.9392C>T (p.Thr3131Ile)

Gene: HUWE1 (HECT, UBA and WWE domain containing E3 ubiquitin protein ligase 1; minus strand). Cytogenetic location: Xp11.22.
Variant type: single nucleotide variant.
Coding change: c.9392C>T on transcript NM_031407.7 (MANE Select); coding-DNA position 9392, C replaced by T.
Protein change: p.Thr3131Ile; replaces threonine 3131 with isoleucine.
Molecular consequence: missense variant.
Genome position (GRCh38, 1-based): chrX:53,550,762, G>A on the plus strand (C>T on the coding strand, the complement: HUWE1 is on the minus strand). VCF-style: chrX-53550762-G-A. GRCh37 (hg19) VCF-style: chrX-53577723-G-A.
Other names: short protein forms T3131I.
Identifiers: ClinVar variation 451755 (VCV000451755.2), dbSNP rs1556927963, ClinGen allele CA413140903.

ClinVar aggregate classification (germline): Likely pathogenic (1 of 4 stars; one submission).

Submission:

GeneDx
Classification: Likely pathogenic. Last evaluated: 2017-09-12. Review status: criteria provided, single submitter. Criteria: GeneDx Variant Classification (06012015). Collection method: clinical testing. Allele origin: germline. Affected: yes.
Comment: The T3131I variant has not been published as a pathogenic variant, nor has it been reported as a benign variant to our knowledge. It is not observed in large population cohorts (Lek et al., 2016; 1000 Genomes Consortium et al., 2015; Exome Variant Server). The T3131I variant is a non-conservative amino acid substitution that occurs at a position that is conserved across species. In silico analysis is inconsistent in its predictions as to whether or not the variant is damaging to the protein structure/function. Therefore, this variant is likely pathogenic; however, the possibility that it is benign cannot be excluded.